The following is an entry in ClinVar:

NM_000497.4(CYP11B1):c.647C>T (p.Pro216Leu)

Genes: CYP11B1 (cytochrome P450 family 11 subfamily B member 1; minus strand), LOC106799833 (CYP11B1 recombination region; plus strand). Cytogenetic location: 8q24.3.
Variant type: single nucleotide variant.
Coding change: c.647C>T on transcript NM_000497.4 (MANE Select); coding-DNA position 647, C replaced by T.
Protein change: p.Pro216Leu; replaces proline 216 with leucine.
Molecular consequence: missense variant.
Genome position (GRCh38, 1-based): chr8:142,876,834, G>A on the plus strand (C>T on the coding strand, the complement: CYP11B1 is on the minus strand). VCF-style: chr8-142876834-G-A. GRCh37 (hg19) VCF-style: chr8-143958250-G-A.
Other names: c.647C>T, p.Pro216Leu (NM_001026213.1); short protein forms P216L.
Identifiers: ClinVar variation 1991526 (VCV001991526.5), dbSNP rs758976042, ClinGen allele CA4905345.

ClinVar aggregate classification (germline): Uncertain significance. Review status: criteria provided, multiple submitters, no conflicts (2 of 4 stars). 3 submissions from 3 submitters: Uncertain significance (3). Last evaluated 2025-12-21.

Conditions:
Inborn genetic diseases. Identifiers: MedGen C0950123, MeSH D030342.
Glucocorticoid-remediable aldosteronism. Also called: ACTH-DEPENDENT HYPERALDOSTERONISM SYNDROME; FH I; GLUCOCORTICOID-SUPPRESSIBLE HYPERALDOSTERONISM; Hyperaldosteronism, familial, type I; ALDOSTERONISM, SENSITIVE TO DEXAMETHASONE. Identifiers: Orphanet 403, MedGen C3838731, MONDO:0007080, OMIM 103900.
Deficiency of steroid 11-beta-monooxygenase (CYP11B1). Also called: P450C11B1 DEFICIENCY; ADRENAL HYPERPLASIA IV; ADRENAL HYPERPLASIA, CONGENITAL, DUE TO STEROID 11-BETA-HYDROXYLASE DEFICIENCY; 11-BETA-HYDROXYLASE DEFICIENCY; Congenital adrenal hyperplasia due to 11-beta-hydroxylase deficiency; STEROID 11-BETA-HYDROXYLASE DEFICIENCY. Identifiers: Orphanet 90795, MedGen C0268292, MONDO:0008729, OMIM 202010. Disease mechanism: loss of function.

Allele frequency attached by ClinVar (database versions not stated): gnomAD exomes 0.00003; TOPMed 0.00004; ExAC 0.00005; gnomAD 0.00005.
gnomAD v4.1: 53 of 1,613,990 alleles (0.0033%); highest among the groups gnomAD compares: Non-Finnish European, 0.0042%; no homozygotes.

Submissions (3):

Labcorp Genetics (formerly Invitae), Labcorp
Classification: Uncertain significance. Last evaluated: 2025-12-21. Review status: criteria provided, single submitter. Criteria: Invitae Variant Classification Sherloc (09022015). Collection method: clinical testing. Allele origin: germline.
Comment: This sequence change replaces proline, which is neutral and non-polar, with leucine, which is neutral and non-polar, at codon 216 of the CYP11B1 protein (p.Pro216Leu). This variant is present in population databases (rs758976042, gnomAD 0.01%). This variant has not been reported in the literature in individuals affected with CYP11B1-related conditions. ClinVar contains an entry for this variant (Variation ID: 1991526). An algorithm developed to predict the effect of missense changes on protein structure and function outputs the following: PolyPhen-2: "Benign". The leucine amino acid residue is found in multiple mammalian species, which suggests that this missense change does not adversely affect protein function. In summary, the available evidence is currently insufficient to determine the role of this variant in disease. Therefore, it has been classified as a Variant of Uncertain Significance.

Ambry Genetics
Classification: Uncertain significance for Inborn genetic diseases. Last evaluated: 2024-12-10. Review status: criteria provided, single submitter. Criteria: Ambry Variant Classification Scheme 2023. Collection method: clinical testing. Allele origin: germline.

Fulgent Genetics
Classification: Uncertain significance for Glucocorticoid-remediable aldosteronism; Deficiency of steroid 11-beta-monooxygenase. Last evaluated: 2024-05-30. Review status: criteria provided, single submitter. Criteria: ACMG Guidelines, 2015. Collection method: clinical testing. Allele origin: germline.